The following is an entry in ClinVar:

NM_001429.4(EP300):c.-10A>G

Gene: EP300 (EP300 lysine acetyltransferase; plus strand). Cytogenetic location: 22q13.2.
Variant type: single nucleotide variant.
Coding change: c.-10A>G on transcript NM_001429.4 (MANE Select); 10 bases upstream of the start codon, A replaced by G.
Molecular consequence: 5 prime UTR variant.
Genome position (GRCh38, 1-based): chr22:41,092,995, A>G. VCF-style: chr22-41092995-A-G. GRCh37 (hg19) VCF-style: chr22-41488999-A-G.
Other names: c.-10A>G (NM_001362843.2).
Identifiers: ClinVar variation 4984080 (VCV004984080.1).

ClinVar aggregate classification (germline): Likely benign (1 of 4 stars; one submission).

Conditions:
EP300-related disorder. Also called: EP300-related condition; EP300-related disorders.

gnomAD v4.1: 2 of 1,614,142 alleles (0.00012%); highest among the groups gnomAD compares: Admixed American, 0.0033%; no homozygotes.

Submission:

PreventionGenetics, part of Exact Sciences
Classification: Likely benign for EP300-related condition. Last evaluated: 2024-12-26. Review status: criteria provided, single submitter. Criteria: ACMG Guidelines, 2015. Collection method: clinical testing. Allele origin: germline.
Comment: This variant is classified as likely benign based on ACMG/AMP sequence variant interpretation guidelines (Richards et al. 2015 PMID: 25741868, with internal and published modifications).